The following is an entry in ClinVar:

ClinVar aggregate classification (germline): Pathogenic (1 of 4 stars; one submission).

Conditions:
Ataxia-telangiectasia syndrome (AT). Also called: Cerebello-oculocutaneous telangiectasia; Immunodeficiency with ataxia telangiectasia; ATAXIA-TELANGIECTASIA, FRESNO VARIANT; Ataxia-telangiectasia, complementation group D; Ataxia telangiectasia (A-T); LOUIS-BAR SYNDROME. Identifiers: Orphanet 100, MedGen C0004135, MONDO:0008840, OMIM 208900.

Submission:

Labcorp Genetics (formerly Invitae), Labcorp
Classification: Pathogenic for Ataxia-telangiectasia syndrome. Last evaluated: 2023-08-14. Review status: criteria provided, single submitter. Criteria: Invitae Variant Classification Sherloc (09022015). Collection method: clinical testing. Allele origin: germline.
Comment: For these reasons, this variant has been classified as Pathogenic. This variant has not been reported in the literature in individuals affected with ATM-related conditions. This variant is a gross deletion of the genomic region encompassing exon(s) 2-4 of the ATM gene, which includes the initiator codon. This deletion extends beyond the assayed region for this gene and therefore may encompass additional genes. It is expected to result in an absent or disrupted protein product. Loss-of-function variants in ATM are known to be pathogenic (PMID: 23807571, 25614872).

Literature cited by the submitters: PubMed 23807571; PubMed 25614872.

NC_000011.9:g.(?_108098352)_(108100060_?)del

Gene: ATM (ATM serine/threonine kinase; plus strand). Cytogenetic location: 11q22.3.
Variant type: Deletion.
Identifiers: ClinVar variation 1073592 (VCV001073592.8).